The following is an entry in ClinVar:

ClinVar aggregate classification (germline): Likely benign. Review status: reviewed by expert panel (3 of 4 stars). 14 submissions from 13 submitters: Likely benign (1). 13 of the submissions do not count toward it. Last evaluated 2017-06-29.

Conditions:
BRCA2-related disorder. Also called: BRCA2-related condition; BRCA2-related disorders. Identifiers: MedGen CN239275.
Hereditary cancer-predisposing syndrome. Also called: Neoplastic Syndromes, Hereditary; Tumor predisposition; Hereditary neoplastic syndrome; Hereditary Cancer Syndrome. Identifiers: Orphanet 140162, MedGen C0027672, MeSH D009386, MONDO:0015356.
Hereditary breast ovarian cancer syndrome. Also called: Hereditary breast and/or ovarian cancer syndrome; Breast and ovarian cancer; BRCA1- and BRCA2-Associated Hereditary Breast and Ovarian Cancer; Hereditary breast and ovarian cancer syndrome (HBOC); Hereditary breast and ovarian cancer syndrome; Hereditary breast and ovarian cancer. Identifiers: Orphanet 145, MedGen C0677776, MeSH D061325, MONDO:0003582. Disease mechanism: loss of function.
Breast-ovarian cancer, familial, susceptibility to, 2 (BROVCA2). Also called: BRCA2 Hereditary Breast and Ovarian Cancer. Identifiers: Orphanet 145, MedGen C2675520, MONDO:0012933, OMIM 612555. Disease mechanism: loss of function.
Fanconi anemia complementation group D1. Also called: BRCA2-Related Fanconi Anemia. Identifiers: Orphanet 319462, MedGen C1838457, MONDO:0011584, OMIM 605724.

Allele frequency attached by ClinVar (database versions not stated): ExAC 0.00002; gnomAD exomes 0.00002 and 0.00005; TOPMed 0.00003; gnomAD 0.00006; ESP Exome Variant Server 0.00008.
gnomAD v4.1: 83 of 1,611,042 alleles (0.0052%); highest among the groups gnomAD compares: Non-Finnish European, 0.0066%; no homozygotes.

Submissions (14):

Evidence-based Network for the Interpretation of Germline Mutant Alleles (ENIGMA)
Classification: Likely benign for Breast-ovarian cancer, familial, susceptibility to, 2. Last evaluated: 2017-06-29. Review status: reviewed by expert panel. Criteria: ENIGMA BRCA1/2 Classification Criteria (2017-06-29). Collection method: curation. Allele origin: germline.
Comment: Synonymous substitution variant, with low bioinformatic likelihood to result in a splicing aberration (Splicing prior probability 0.02).

Labcorp Genetics (formerly Invitae), Labcorp
Classification: Likely benign for Hereditary breast ovarian cancer syndrome. Last evaluated: 2026-02-03. Review status: criteria provided, single submitter. Criteria: Invitae Variant Classification Sherloc (09022015). Collection method: clinical testing. Allele origin: germline. Not counted in ClinVar's aggregate classification.

All of Us Research Program, National Institutes of Health
Classification: Likely benign for Breast-ovarian cancer, familial, susceptibility to, 2. Last evaluated: 2023-12-01. Review status: criteria provided, single submitter. Criteria: ACMG Guidelines, 2015. Collection method: clinical testing. Allele origin: germline. Inheritance: Autosomal dominant inheritance. Observed: 7 variant alleles, 7 heterozygotes. Not counted in ClinVar's aggregate classification.
Comment: This study involves interpretation of variants in research participants for the purpose of population health screening. Participant phenotype was not available at the time of variant classification. Additional details can be found in publication PMID: 35346344, PMCID: PMC8962531

Sema4
Classification: Likely benign for Hereditary cancer-predisposing syndrome. Last evaluated: 2021-12-23. Review status: criteria provided, single submitter. Criteria: Sema4 Curation Guidelines. Collection method: curation. Allele origin: germline. Not counted in ClinVar's aggregate classification.

Quest Diagnostics Nichols Institute San Juan Capistrano
Classification: Likely benign. Last evaluated: 2021-01-22. Review status: criteria provided, single submitter. Criteria: Quest Diagnostics criteria. Collection method: clinical testing. Allele origin: unknown. Not counted in ClinVar's aggregate classification.

Women's Health and Genetics/Laboratory Corporation of America, LabCorp
Classification: Likely benign. Last evaluated: 2020-08-21. Review status: criteria provided, single submitter. Criteria: LabCorp Variant Classification Summary - May 2015. Collection method: clinical testing. Allele origin: germline. Not counted in ClinVar's aggregate classification.

ARUP Laboratories, Molecular Genetics and Genomics, ARUP Laboratories
Classification: Likely benign. Last evaluated: 2019-02-20. Review status: criteria provided, single submitter. Criteria: ARUP Molecular Germline Variant Investigation Process. Collection method: clinical testing. Allele origin: germline. Not counted in ClinVar's aggregate classification.

Illumina Laboratory Services, Illumina
Classification: Uncertain significance for Breast-ovarian cancer, familial, susceptibility to, 2. Last evaluated: 2017-04-27. Review status: criteria provided, single submitter. Criteria: ICSL Variant Classification Criteria 13 December 2019. Collection method: clinical testing. Allele origin: germline. Not counted in ClinVar's aggregate classification.

Illumina Laboratory Services, Illumina
Classification: Uncertain significance for Fanconi anemia complementation group D1. Last evaluated: 2017-04-27. Review status: criteria provided, single submitter. Criteria: ICSL Variant Classification Criteria 13 December 2019. Collection method: clinical testing. Allele origin: germline. Not counted in ClinVar's aggregate classification.

Color Diagnostics, LLC DBA Color Health
Classification: Likely benign for Hereditary cancer-predisposing syndrome. Last evaluated: 2017-03-29. Review status: criteria provided, single submitter. Criteria: ACMG Guidelines, 2015. Collection method: clinical testing. Allele origin: germline. Not counted in ClinVar's aggregate classification.

Molecular Genetics Laboratory, University of Michigan
Classification: Likely benign for Breast-ovarian cancer, familial, susceptibility to, 2. Last evaluated: 2016-04-21. Review status: criteria provided, single submitter. Criteria: ACMG Guidelines, 2015. Collection method: clinical testing. Allele origin: germline. Affected: yes. Not counted in ClinVar's aggregate classification.

GeneDx
Classification: Benign. Last evaluated: 2015-05-13. Review status: criteria provided, single submitter. Criteria: GeneDx Variant Classification (06012015). Collection method: clinical testing. Allele origin: germline. Affected: yes. Not counted in ClinVar's aggregate classification.
Comment: This variant is considered likely benign or benign based on one or more of the following criteria: it is a conservative change, it occurs at a poorly conserved position in the protein, it is predicted to be benign by multiple in silico algorithms, and/or has population frequency not consistent with disease.

Ambry Genetics
Classification: Likely benign for Hereditary cancer-predisposing syndrome. Last evaluated: 2014-12-15. Review status: criteria provided, single submitter. Criteria: Ambry Variant Classification Scheme 2023. Collection method: clinical testing. Allele origin: germline. Not counted in ClinVar's aggregate classification.

PreventionGenetics, part of Exact Sciences
Classification: Likely benign for BRCA2-related condition. Last evaluated: 2019-10-10. Review status: no assertion criteria provided. Collection method: clinical testing. Allele origin: germline. Not counted in ClinVar's aggregate classification.
Comment: This variant is classified as likely benign based on ACMG/AMP sequence variant interpretation guidelines (Richards et al. 2015 PMID: 25741868, with internal and published modifications).

NM_000059.4(BRCA2):c.2025A>G (p.Thr675=)

Gene: BRCA2 (BRCA2 DNA repair associated; plus strand). Cytogenetic location: 13q13.1.
Variant type: single nucleotide variant.
Coding change: c.2025A>G on transcript NM_000059.4 (MANE Select); coding-DNA position 2025, A replaced by G.
Protein change: p.Thr675=; no amino-acid change (threonine 675 retained).
Molecular consequence: synonymous variant.
Genome position (GRCh38, 1-based): chr13:32,336,380, A>G. VCF-style: chr13-32336380-A-G. GRCh37 (hg19) VCF-style: chr13-32910517-A-G.
Identifiers: ClinVar variation 184028 (VCV000184028.37), dbSNP rs147381487, ClinGen allele CA014140.